The following is an entry in ClinVar:

NM_001370100.5(ZMYND11):c.1756CAG[1] (p.Gln587del)

Gene: ZMYND11 (zinc finger MYND-type containing 11; plus strand). Cytogenetic location: 10p15.3.
Variant type: Microsatellite.
Coding change: c.1756CAG[1] on transcript NM_001370100.5 (MANE Select); one copy of the 3-base unit CAG starting at c.1756; the reference has two copies in a row; one copy, 3 bases deleted.
Protein change: p.Gln587del; deletes glutamine 587.
Molecular consequence: inframe deletion. On other transcripts: non-coding transcript variant (1).
Genome position (GRCh38, 1-based): chr10:252,420-252,422, CAG deleted; deleting any 3 consecutive bases within chr10:252,417-252,422 gives the same sequence; the position shown is the placement nearest the transcript's 3' end. VCF-style (leftmost placement, unchanged base first): chr10-252416-CCAG-C. GRCh37 (hg19) VCF-style: chr10-298356-CCAG-C.
Other names: c.1594CAG[1], p.Gln533del (NM_001202464.3, NM_001370103.2, NM_001370104.2 and 5 more transcripts); c.1501CAG[1], p.Gln502del (NM_001202465.3, NM_001370110.2); c.1591CAG[1], p.Gln532del (NM_001202466.3, NM_001370111.2); c.1705CAG[1], p.Gln570del (NM_001330057.3, NM_001370112.2); c.1756CAG[1], p.Gln587del (NM_001370097.3, NM_001370098.2, NM_001370099.2 and 3 more transcripts); c.1663CAG[1], p.Gln556del (NM_001370113.2, NM_001370114.2); c.1753CAG[1], p.Gln586del (NM_001370115.2); c.1690CAG[1], p.Gln565del (NM_001370116.2); and 9 more; short protein forms Q587del, Q565del, Q547del, Q556del, Q564del, Q430del, Q485del, Q493del.
Identifiers: ClinVar variation 157550 (VCV000157550.4), dbSNP rs606231266, ClinGen allele CA170952.

ClinVar aggregate classification (germline): Likely pathogenic. Review status: criteria provided, single submitter (1 of 4 stars). 2 submissions from 2 submitters: Likely pathogenic (1). 1 of the submissions does not count toward it. Last evaluated 2025-09-12.

Conditions:
Inborn genetic diseases. Identifiers: MedGen C0950123, MeSH D030342.
Intellectual developmental disorder, autosomal dominant 30, with speech delay and behavioral abnormalities. Also called: Intellectual disability, autosomal dominant 30. Identifiers: Orphanet 436151, MedGen C4015167, MONDO:0014486, OMIM 616083.

Submissions (2):

Ambry Genetics
Classification: Likely pathogenic for Inborn genetic diseases. Last evaluated: 2025-09-12. Review status: criteria provided, single submitter. Criteria: Ambry Variant Classification Scheme 2023. Collection method: clinical testing. Allele origin: germline.
Comment: The c.1759_1761delCAG (p.Q587del) alteration, located in coding exon 14 of the ZMYND11 gene, results from an in-frame deletion at nucleotide positions 1759 and 1761. This results in the deletion of a glutamine residue at codon 587. This variant was not reported in population-based cohorts in the Genome Aggregation Database (gnomAD). This variant was determined to be de novo in at least one individual with features consistent with ZMYND11-related neurodevelopmental disorder (Coe, 2014). This amino acid position is highly conserved in available vertebrate species. This alteration is predicted to be deleterious by in silico analysis (Choi, 2012). Based on the available evidence, this alteration is classified as likely pathogenic.

OMIM
Classification: Pathogenic for INTELLECTUAL DEVELOPMENTAL DISORDER, AUTOSOMAL DOMINANT 30, WITH SPEECH DELAY AND BEHAVIORAL ABNORMALITIES. Last evaluated: 2014-10-01. Review status: no assertion criteria provided. Collection method: literature only. Allele origin: germline. Not counted in ClinVar's aggregate classification.

Literature cited by the submitters: PubMed 25217958 (cited by Ambry Genetics and OMIM).